The following is an entry in ClinVar:

NM_001024630.4(RUNX2):c.1384G>T (p.Gly462Ter)

Gene: RUNX2 (RUNX family transcription factor 2; plus strand). Cytogenetic location: 6p21.1.
Variant type: single nucleotide variant.
Coding change: c.1384G>T on transcript NM_001024630.4 (MANE Select); coding-DNA position 1384, G replaced by T.
Protein change: p.Gly462Ter; replaces glycine 462 with a stop codon.
Molecular consequence: nonsense.
Genome position (GRCh38, 1-based): chr6:45,547,123, G>T. VCF-style: chr6-45547123-G-T. GRCh37 (hg19) VCF-style: chr6-45514860-G-T.
Other names: c.1318G>T, p.Gly440Ter (NM_001015051.4); c.1276G>T, p.Gly426Ter (NM_001278478.2); c.1342G>T, p.Gly448Ter (NM_001369405.1); short protein forms G448*, G426*, G462*, G440*.
Identifiers: ClinVar variation 1395296 (VCV001395296.8), dbSNP rs2150454165, ClinGen allele CA363957108.

ClinVar aggregate classification (germline): Pathogenic (1 of 4 stars; one submission).

Submission:

Labcorp Genetics (formerly Invitae), Labcorp
Classification: Pathogenic. Last evaluated: 2021-05-14. Review status: criteria provided, single submitter. Criteria: Invitae Variant Classification Sherloc (09022015). Collection method: clinical testing. Allele origin: germline.
Comment: This sequence change creates a premature translational stop signal (p.Gly462*) in the RUNX2 gene. While this is not anticipated to result in nonsense mediated decay, it is expected to disrupt the last 60 amino acid(s) of the RUNX2 protein. For these reasons, this variant has been classified as Pathogenic. This variant disrupts the C-terminus of the RUNX2 protein. Other variant(s) that disrupt this region (p.Asp463ArgfsX27) have been observed in individuals with RUNX2-related conditions (PMID: 20648631). This suggests that this may be a clinically significant region of the protein. Algorithms developed to predict the effect of sequence changes on RNA splicing suggest that this variant may create or strengthen a splice site, but this prediction has not been confirmed by published transcriptional studies. Experimental studies have shown that this variant affects RUNX2 protein function (PMID: 28703881). This variant has been observed in individual(s) with cleidocranial dysplasia (PMID:28703881, Invitae). This variant is not present in population databases (ExAC no frequency).

Literature cited by the submitters: PubMed 20648631; PubMed 28703881.